The following is an entry in ClinVar:

NM_004204.5(PIGQ):c.399G>C (p.Gln133His)

Gene: PIGQ (phosphatidylinositol glycan anchor biosynthesis class Q; plus strand). Cytogenetic location: 16p13.3.
Variant type: single nucleotide variant.
Coding change: c.399G>C on transcript NM_004204.5 (MANE Select); coding-DNA position 399, G replaced by C.
Protein change: p.Gln133His; replaces glutamine 133 with histidine.
Molecular consequence: missense variant.
Genome position (GRCh38, 1-based): chr16:574,473, G>C. VCF-style: chr16-574473-G-C. GRCh37 (hg19) VCF-style: chr16-624473-G-C.
Other names: c.399G>C, p.Gln133His (NM_148920.4); short protein forms Q133H.
Identifiers: ClinVar variation 2111597 (VCV002111597.4), dbSNP rs1440526874, ClinGen allele CA394048016.

ClinVar aggregate classification (germline): Uncertain significance (1 of 4 stars; one submission).

Conditions:
Epilepsy. Also called: Seizure disorder. Identifiers: MedGen C0014544, MeSH D004827, MONDO:0005027.

Allele frequency attached by ClinVar (database versions not stated): TOPMed below 0.00001; gnomAD 0.00001.
gnomAD v4.1: 1 of 1,610,396 alleles (0.000062%); highest among the groups gnomAD compares: Non-Finnish European, 0.000085%; no homozygotes.

Submission:

Labcorp Genetics (formerly Invitae), Labcorp
Classification: Uncertain significance for Epilepsy. Last evaluated: 2022-03-14. Review status: criteria provided, single submitter. Criteria: Invitae Variant Classification Sherloc (09022015). Collection method: clinical testing. Allele origin: germline.
Comment: In summary, the available evidence is currently insufficient to determine the role of this variant in disease. Therefore, it has been classified as a Variant of Uncertain Significance. Algorithms developed to predict the effect of missense changes on protein structure and function are either unavailable or do not agree on the potential impact of this missense change (SIFT: "Tolerated"; PolyPhen-2: "Probably Damaging"; Align-GVGD: "Class C0"). This variant has not been reported in the literature in individuals affected with PIGQ-related conditions. This variant is not present in population databases (gnomAD no frequency). This sequence change replaces glutamine, which is neutral and polar, with histidine, which is basic and polar, at codon 133 of the PIGQ protein (p.Gln133His).